The following is an entry in ClinVar:

ClinVar aggregate classification (germline): Likely benign (0 of 4 stars; one submission).

Conditions:
TENM1-related disorder. Also called: TENM1-related condition.

Allele frequency attached by ClinVar (database versions not stated): gnomAD exomes 0.00011; ExAC 0.00040; ESP Exome Variant Server 0.00123; TOPMed 0.00125; 1000 Genomes Project 30x 0.00166.
gnomAD v4.1: 236 of 1,208,232 alleles (0.02%); highest among the groups gnomAD compares: African/African-American, 0.38%; no homozygotes.

Submission:

PreventionGenetics, part of Exact Sciences
Classification: Likely benign for TENM1-related condition. Last evaluated: 2021-04-06. Review status: no assertion criteria provided. Collection method: clinical testing. Allele origin: germline.
Comment: This variant is classified as likely benign based on ACMG/AMP sequence variant interpretation guidelines (Richards et al. 2015 PMID: 25741868, with internal and published modifications).

NM_001163278.2(TENM1):c.3646G>A (p.Val1216Ile)

Gene: TENM1 (teneurin transmembrane protein 1; minus strand). Cytogenetic location: Xq25.
Variant type: single nucleotide variant.
Coding change: c.3646G>A on transcript NM_001163278.2 (MANE Select); coding-DNA position 3646, G replaced by A.
Protein change: p.Val1216Ile; replaces valine 1216 with isoleucine.
Molecular consequence: missense variant.
Genome position (GRCh38, 1-based): chrX:124,497,065, C>T on the plus strand (G>A on the coding strand, the complement: TENM1 is on the minus strand). VCF-style: chrX-124497065-C-T. GRCh37 (hg19) VCF-style: chrX-123630915-C-T.
Other names: c.3643G>A, p.Val1215Ile (NM_001163279.1); c.3646G>A, p.Val1216Ile (NM_014253.3); short protein forms V1215I, V1216I.
Identifiers: ClinVar variation 3043919 (VCV003043919.2), dbSNP rs137882910, ClinGen allele CA10509935.
Genomic context (GRCh38, chrX:124,497,065, plus strand): 5'-AGAAGACTTACCTTAATTCCAAAATACTAACGGAGTTTCCCGAGGGAAATATTCTCCTTA[C>T]AAAATTGAAGTCGCCAACATACACACTGCCATCAGGGCCAGAAGCTAAGGCGACAGGAGC-3'
Protein context (NP_001156750.1, residues 1206-1226): GSVYVGDFNF[Val1216Ile]RRIFPSGNSV